The following is an entry in ClinVar:

ClinVar aggregate classification (germline): Uncertain significance (1 of 4 stars; one submission).

Conditions:
Neurodevelopmental disorder. Identifiers: MedGen C1535926, MeSH D065886, MONDO:0700092.

Submission:

Victorian Clinical Genetics Services, Murdoch Childrens Research Institute
Classification: Uncertain significance for Neurodevelopmental disorder. Last evaluated: 2025-01-22. Review status: criteria provided, single submitter. Criteria: ACMG Guidelines, 2015. Collection method: clinical testing. Allele origin: germline. Affected: yes.
Comment: This variant is classified as VUS-3A. Evidence in support of pathogenic classification: Variant is predicted to cause nonsense-mediated decay (NMD) and loss of protein (premature termination codon is located at least 54 nucleotides upstream of the final exon-exon junction); Variant is absent from gnomAD (v2, v3 and v4). Additional information: This variant is heterozygous; This gene is associated with autosomal dominant disease; This variant has no previous evidence of pathogenicity; No published segregation evidence has been identified for this variant; No published functional evidence has been identified for this variant; Other NMD-predicted variants comparable to the one identified in this case have inconclusive previous evidence for pathogenicity (PMID: 34113007, ClinVar) - Dominant negative and loss of function are suggested mechanisms of disease in this gene and are associated with neurodevelopmental disorder (MONDO#0700092), GDF11-related (PMID: 31215115, 34113007); The condition associated with this gene may have incomplete penetrance.

Literature cited by the submitters: PubMed 31215115; PubMed 34113007.

NM_005811.5(GDF11):c.557del (p.Pro186fs)

Gene: GDF11 (growth differentiation factor 11; plus strand). Cytogenetic location: 12q13.2.
Variant type: Deletion.
Coding change: c.557del on transcript NM_005811.5 (MANE Select); coding-DNA position 557, one base deleted (C; older notation c.557delC).
Protein change: p.Pro186fs; shifts the reading frame from proline 186.
Molecular consequence: frameshift variant.
Genome position (GRCh38, 1-based): chr12:55,748,697, C deleted; the last of 2 consecutive C bases (chr12:55,748,696-55,748,697); deleting either gives the same sequence. VCF-style (leftmost placement, unchanged base first): chr12-55748695-GC-G. GRCh37 (hg19) VCF-style: chr12-56142479-GC-G.
Other names: short protein forms P186fs.
Identifiers: ClinVar variation 4531427 (VCV004531427.1).